The following is an entry in ClinVar:

NM_024422.6(DSC2):c.824C>A (p.Thr275Lys)

Gene: DSC2 (desmocollin 2; minus strand). Cytogenetic location: 18q12.1.
Variant type: single nucleotide variant.
Coding change: c.824C>A on transcript NM_024422.6 (MANE Select); coding-DNA position 824, C replaced by A.
Protein change: p.Thr275Lys; replaces threonine 275 with lysine.
Molecular consequence: missense variant.
Genome position (GRCh38, 1-based): chr18:31,086,694, G>T on the plus strand (C>A on the coding strand, the complement: DSC2 is on the minus strand). VCF-style: chr18-31086694-G-T. GRCh37 (hg19) VCF-style: chr18-28666657-G-T.
Other names: c.824C>A, p.Thr275Lys (NM_004949.5); short protein forms T275K.
Identifiers: ClinVar variation 46197 (VCV000046197.11), dbSNP rs397517404, ClinGen allele CA022931.
Genomic context (GRCh38, chr18:31,086,694, plus strand): 5'-AATAGGGTGGGTGATGGTGGCACCTGCCCAATGATGGAGTACTTCAGGCGTGTGTGCATC[G>T]TGTCAGGCTCATCTTTGTCAGTAGCACACACTTGTCCCACAGTAGTGCCTAGAGAAGAAA-3'
Protein context (NP_077740.1, residues 265-285): VCATDKDEPD[Thr275Lys]MHTRLKYSII

ClinVar aggregate classification (germline): Uncertain significance. Review status: criteria provided, multiple submitters, no conflicts (2 of 4 stars). 5 submissions from 5 submitters: Uncertain significance (5). Last evaluated 2025-07-07.

Conditions:
Cardiovascular phenotype. Identifiers: MedGen CN230736.
Cardiomyopathy (CMYO). Also called: Cardiomyopathies. Identifiers: Orphanet 167848, MedGen C0878544, MONDO:0004994, HP:0001638. Inheritance: Various modes of inheritance.
Arrhythmogenic right ventricular dysplasia 11. Also called: ARRHYTHMOGENIC RIGHT VENTRICULAR DYSPLASIA, FAMILIAL, 11; Arrhythmogenic right ventricular dysplasia 11 with mild palmoplantar keratoderma and woolly hair; Arrhythmogenic Right Ventricular Dysplasia/Cardiomyopathy11. Identifiers: MedGen C1864850, MONDO:0012506, OMIM 610476.

Submissions (5):

Labcorp Genetics (formerly Invitae), Labcorp
Classification: Uncertain significance for Arrhythmogenic right ventricular dysplasia 11. Last evaluated: 2025-07-07. Review status: criteria provided, single submitter. Criteria: Invitae Variant Classification Sherloc (09022015). Collection method: clinical testing. Allele origin: germline.
Comment: This sequence change replaces threonine, which is neutral and polar, with lysine, which is basic and polar, at codon 275 of the DSC2 protein (p.Thr275Lys). This variant is not present in population databases (gnomAD no frequency). This missense change has been observed in individual(s) with arrhythmogenic right ventricular cardiomyopathy (PMID: 28588093). ClinVar contains an entry for this variant (Variation ID: 46197). Invitae Evidence Modeling of protein sequence and biophysical properties (such as structural, functional, and spatial information, amino acid conservation, physicochemical variation, residue mobility, and thermodynamic stability) indicates that this missense variant is expected to disrupt DSC2 protein function with a positive predictive value of 80%. In summary, the available evidence is currently insufficient to determine the role of this variant in disease. Therefore, it has been classified as a Variant of Uncertain Significance.

Color Diagnostics, LLC DBA Color Health
Classification: Uncertain significance for Cardiomyopathy. Last evaluated: 2023-10-03. Review status: criteria provided, single submitter. Criteria: ACMG Guidelines, 2015. Collection method: clinical testing. Allele origin: germline.
Comment: This missense variant replaces threonine with lysine at codon 275 of the DSC2 protein. Computational prediction suggests that this variant may not impact protein structure and function (internally defined REVEL score threshold <= 0.5, PMID: 27666373). To our knowledge, functional studies have not been reported for this variant. This variant has been reported in an individual affected with arrhythmogenic right ventricular cardiomyopathy (PMID: 28588093). This variant has not been identified in the general population by the Genome Aggregation Database (gnomAD). The available evidence is insufficient to determine the role of this variant in disease conclusively. Therefore, this variant is classified as a Variant of Uncertain Significance.

Ambry Genetics
Classification: Uncertain significance for Cardiovascular phenotype. Last evaluated: 2022-05-23. Review status: criteria provided, single submitter. Criteria: Ambry Variant Classification Scheme 2023. Collection method: clinical testing. Allele origin: germline.

GeneDx
Classification: Uncertain significance. Last evaluated: 2019-04-11. Review status: criteria provided, single submitter. Criteria: GeneDx Variant Classification Process June 2021. Collection method: clinical testing. Allele origin: germline. Affected: yes.
Comment: Has not been previously reported as pathogenic or benign to our knowledge; A different missense change at this residue (T275M) has been reported in the published literature, as pathogenic in the homozygous state in a patient with ARVC, and the patient's heterozygous children were asymptomatic (Gehmlich et al., 2011); Not observed in large population cohorts (Lek et al., 2016); In silico analysis, which includes protein predictors and evolutionary conservation, supports a deleterious effect; This variant is associated with the following publications: (PMID: 21062920, 28588093)

Laboratory for Molecular Medicine, Mass General Brigham Personalized Medicine
Classification: Uncertain significance. Last evaluated: 2012-02-13. Review status: criteria provided, single submitter. Criteria: LMM Criteria. Collection method: clinical testing. Allele origin: germline. Observed: 4 variant alleles.
Comment: Variant classified as Uncertain Significance - Favor Pathogenic. The Thr275Lys v ariant in DSC2 has been identified by our laboratory in 2 individuals with ARVC from one family who carried a second variant on the other copy of the DSC2 gene. Of note, another variant at this posit ion, Thr275Met, was reported in 1 individual with ARVC in the homozygous state a nd was demonstrated to impact the maturation and intracellular localization of t he protein (Gehmlich 2011), although these in vitro assays may not accurately re present biological function. Computational analyses (biochemical amino acid prop erties, conservation, AlignGVGD, PolyPhen2, and SIFT) suggest that the Thr275Lys variant may impact the protein, though this information is not predictive enoug h to determine pathogenicity. Although this data supports that the Thr275Lys var iant may be pathogenic, additional studies are needed to fully assess its clinic al significance.

Literature cited by the submitters: PubMed 28588093 (cited by Labcorp Genetics (formerly Invitae), Labcorp and Color Diagnostics, LLC DBA Color Health); PubMed 21062920 (cited by Laboratory for Molecular Medicine, Mass General Brigham Personalized Medicine).